The following is an entry in ClinVar:

ClinVar aggregate classification (germline): Pathogenic/Likely pathogenic. Review status: criteria provided, multiple submitters, no conflicts (2 of 4 stars). 2 submissions from 2 submitters: Pathogenic (1); Likely pathogenic (1). Last evaluated 2024-06-21.

Conditions:
Nemaline myopathy 2 (NEM2). Also called: Nemaline myopathy 2, autosomal recessive. Identifiers: MedGen C1850569, MONDO:0009725, OMIM 256030.

Submissions (2):

Natera, Inc.
Classification: Likely pathogenic for Nemaline myopathy type 2. Last evaluated: 2024-06-21. Review status: criteria provided, single submitter. Criteria: Natera Variant Classification Schema (03/2026). Collection method: clinical testing. Allele origin: germline.
Comment: The c.2778C>A variant in NEB is a nonsense variant predicted to introduce a stop codon at amino acid 926. This variant is expected to result in nonsense mediated decay, truncation, or a dysfunctional protein product. This variant is rare in the general population with a frequency below the threshold expected for the associated phenotype(s). Given the available evidence, this variant is classified as Likely Pathogenic.

Labcorp Genetics (formerly Invitae), Labcorp
Classification: Pathogenic for Nemaline myopathy 2. Last evaluated: 2022-06-25. Review status: criteria provided, single submitter. Criteria: Invitae Variant Classification Sherloc (09022015). Collection method: clinical testing. Allele origin: germline.
Comment: This variant has not been reported in the literature in individuals affected with NEB-related conditions. This variant is not present in population databases (gnomAD no frequency). This sequence change creates a premature translational stop signal (p.Tyr926*) in the NEB gene. It is expected to result in an absent or disrupted protein product. Loss-of-function variants in NEB are known to be pathogenic (PMID: 25205138). For these reasons, this variant has been classified as Pathogenic.

Literature cited by the submitters: PubMed 25205138 (cited by Labcorp Genetics (formerly Invitae), Labcorp).

NM_001164508.2(NEB):c.2778C>A (p.Tyr926Ter)

Gene: NEB (nebulin; minus strand). Cytogenetic location: 2q23.3.
Variant type: single nucleotide variant.
Coding change: c.2778C>A on transcript NM_001164508.2 (MANE Select); coding-DNA position 2778, C replaced by A.
Protein change: p.Tyr926Ter; replaces tyrosine 926 with a stop codon.
Molecular consequence: nonsense.
Genome position (GRCh38, 1-based): chr2:151,684,835, G>T on the plus strand (C>A on the coding strand, the complement: NEB is on the minus strand). VCF-style: chr2-151684835-G-T. GRCh37 (hg19) VCF-style: chr2-152541349-G-T.
Other names: c.2778C>A, p.Tyr926Ter (NM_001164507.2, NM_001271208.2, NM_004543.5); c.2778C>A (NM_001271208.1); short protein forms Y926*.
Identifiers: ClinVar variation 1391512 (VCV001391512.7), dbSNP rs1576286971, ClinGen allele CA348822012.